The following is an entry in ClinVar:

NM_001039503.3(PRSS53):c.1023C>T (p.His341=)

Gene: PRSS53 (serine protease 53; minus strand). Cytogenetic location: 16p11.2.
Variant type: single nucleotide variant.
Coding change: c.1023C>T on transcript NM_001039503.3 (MANE Select); coding-DNA position 1023, C replaced by T.
Protein change: p.His341=; no amino-acid change (histidine 341 retained).
Molecular consequence: synonymous variant.
Genome position (GRCh38, 1-based): chr16:31,085,121, G>A on the plus strand (C>T on the coding strand, the complement: PRSS53 is on the minus strand). VCF-style: chr16-31085121-G-A. GRCh37 (hg19) VCF-style: chr16-31096442-G-A.
Identifiers: ClinVar variation 2646467 (VCV002646467.24), dbSNP rs370867880, ClinGen allele CA8020756.

ClinVar aggregate classification (germline): Likely benign (1 of 4 stars; one submission).

Allele frequency attached by ClinVar (database versions not stated): 1000 Genomes Project 0.00040; 1000 Genomes Project 30x 0.00047; gnomAD 0.00097; TOPMed 0.00108; ExAC 0.00109; gnomAD exomes 0.00159; ESP Exome Variant Server 0.00164.
gnomAD v4.1: 2,445 of 1,612,920 alleles (0.15%); highest among the groups gnomAD compares: Middle Eastern, 0.4%; no homozygotes.

Submission:

CeGaT Center for Human Genetics Tuebingen
Classification: Likely benign. Last evaluated: 2023-01-01. Review status: criteria provided, single submitter. Criteria: CeGaT Center For Human Genetics Tuebingen Variant Classification Criteria Version 2. Collection method: clinical testing. Allele origin: germline. Affected: yes. Observed: 1 variant allele.
Comment: PRSS53: BP4, BP7